The following is an entry in ClinVar:

NM_001370259.2(MEN1):c.48C>T (p.Ile16=)

Gene: MEN1 (menin 1; minus strand). Cytogenetic location: 11q13.1.
Variant type: single nucleotide variant.
Coding change: c.48C>T on transcript NM_001370259.2 (MANE Select); coding-DNA position 48, C replaced by T.
Protein change: p.Ile16=; no amino-acid change (isoleucine 16 retained).
Molecular consequence: synonymous variant.
Genome position (GRCh38, 1-based): chr11:64,810,062, G>A on the plus strand (C>T on the coding strand, the complement: MEN1 is on the minus strand). VCF-style: chr11-64810062-G-A. GRCh37 (hg19) VCF-style: chr11-64577534-G-A.
Other names: c.48C>T, p.Ile16= (NM_000244.4, NM_001370251.2, NM_001370260.2 and 9 more transcripts).
Identifiers: ClinVar variation 412582 (VCV000412582.13), dbSNP rs1060503797, ClinGen allele CA16613487.
Genomic context (GRCh38, chr11:64,810,062, plus strand): 5'-GAGCACCAGGTCCGGCTCCTCTCGGCCCAGCTCGGCAGCAAACAGGCGCACCACGTCGTC[G>A]ATGGAGCGCAGCGGGAACAGCGTCTTCTGGGCGGCCTTCAGCCCCATGGCGGCGGGCGGT-3'
Protein context (NP_001357188.2, residues 6-26): AQKTLFPLRS[Ile16=]DDVVRLFAAE

ClinVar aggregate classification (germline): Benign/Likely benign. Review status: criteria provided, multiple submitters, no conflicts (2 of 4 stars). 3 submissions from 3 submitters: Benign (1); Likely benign (2). Last evaluated 2024-10-31.

Conditions:
Multiple endocrine neoplasia, type 1 (MEN1). Also called: MEA I; MEN I; WERMER SYNDROME; Endocrine adenomatosis multiple; MEN 1. Identifiers: Orphanet 652, MedGen C0025267, MeSH D018761, MONDO:0007540, OMIM 131100.
Hereditary cancer-predisposing syndrome. Also called: Hereditary neoplastic syndrome; Neoplastic Syndromes, Hereditary; Tumor predisposition; Hereditary Cancer Syndrome. Identifiers: Orphanet 140162, MedGen C0027672, MeSH D009386, MONDO:0015356.

Allele frequency attached by ClinVar (database versions not stated): gnomAD 0.00001; TOPMed 0.00001.

Submissions (3):

Myriad Genetics, Inc.
Classification: Benign for Multiple endocrine neoplasia, type 1. Last evaluated: 2024-10-31. Review status: criteria provided, single submitter. Criteria: Myriad Autosomal Dominant, Autosomal Recessive and X-Linked Classification Criteria (2023). Collection method: clinical testing. Allele origin: unknown.
Comment: This variant is considered benign. This variant is a silent/synonymous amino acid change and it is not expected to impact splicing.

Ambry Genetics
Classification: Likely benign for Hereditary cancer-predisposing syndrome. Last evaluated: 2023-05-14. Review status: criteria provided, single submitter. Criteria: Ambry Variant Classification Scheme 2023. Collection method: clinical testing. Allele origin: germline.

Labcorp Genetics (formerly Invitae), Labcorp
Classification: Likely benign for Multiple endocrine neoplasia, type 1. Last evaluated: 2021-12-02. Review status: criteria provided, single submitter. Criteria: Invitae Variant Classification Sherloc (09022015). Collection method: clinical testing. Allele origin: germline.